The following is an entry in ClinVar:

NM_006231.4(POLE):c.955G>A (p.Asp319Asn)

Gene: POLE (DNA polymerase epsilon, catalytic subunit; minus strand). Cytogenetic location: 12q24.33.
Variant type: single nucleotide variant.
Coding change: c.955G>A on transcript NM_006231.4 (MANE Select); coding-DNA position 955, G replaced by A.
Protein change: p.Asp319Asn; replaces aspartic acid 319 with asparagine.
Molecular consequence: missense variant.
Genome position (GRCh38, 1-based): chr12:132,676,159, C>T on the plus strand (G>A on the coding strand, the complement: POLE is on the minus strand). VCF-style: chr12-132676159-C-T. GRCh37 (hg19) VCF-style: chr12-133252745-C-T.
Other names: short protein forms D319N.
Identifiers: ClinVar variation 484551 (VCV000484551.18), dbSNP rs116162724, ClinGen allele CA6894132.
Genomic context (GRCh38, chr12:132,676,159, plus strand): 5'-CGGGTTCATTGAAGACACAAAAGGGGCCTTCATATTCTGGCTTGGGGGTGAACTCAAAAT[C>T]TTCAATATCTTCTGAAACAATCTCCCTGTTGGTGATGAGGTAGCCCTAGCCAAGTTCATT-3'
Protein context (NP_006222.2, residues 309-329): NREIVSEDIE[Asp319Asn]FEFTPKPEYE

ClinVar aggregate classification (germline): Conflicting classifications of pathogenicity. Review status: criteria provided, conflicting classifications (1 of 4 stars). 5 submissions from 5 submitters: Uncertain significance (4); Likely benign (1). Last evaluated 2026-01-19.

Conditions:
Hereditary cancer-predisposing syndrome. Also called: Neoplastic Syndromes, Hereditary; Tumor predisposition; Hereditary Cancer Syndrome; Hereditary neoplastic syndrome. Identifiers: Orphanet 140162, MedGen C0027672, MeSH D009386, MONDO:0015356.
Familial colorectal cancer type X. Identifiers: Orphanet 440437, MedGen C3896578, MONDO:0018604.
Polymerase proofreading-related adenomatous polyposis. Also called: Polymerase proofreading associated polyposis; Polymerase proofreading–associated polyposis (PPAP). Identifiers: Orphanet 447877, MedGen C5202613, MONDO:0018653.
Facial dysmorphism-immunodeficiency-livedo-short stature syndrome. Also called: Facial dysmorphism, immunodeficiency, livedo, and short stature; FILS syndrome. Identifiers: Orphanet 352712, MedGen C3554576, MONDO:0014058, OMIM 615139.
Colorectal cancer, susceptibility to, 12 (CRCS12). Also called: COLORECTAL CANCER, SUSCEPTIBILITY TO, ON CHROMOSOME 12q24. Identifiers: Orphanet 220460, MedGen C3554460, MONDO:0014038, OMIM 615083.
Intrauterine growth retardation, metaphyseal dysplasia, adrenal hypoplasia congenita, genital anomalies, and immunodeficiency. Also called: IMAGEI SYNDROME. Identifiers: MedGen C5193036, MONDO:0032684, OMIM 618336.

Allele frequency attached by ClinVar (database versions not stated): gnomAD exomes below 0.00001; TOPMed below 0.00001; gnomAD 0.00001; ExAC 0.00002; 1000 Genomes Project 0.00040; 1000 Genomes Project 30x 0.00062.

Submissions (5):

Labcorp Genetics (formerly Invitae), Labcorp
Classification: Uncertain significance. Last evaluated: 2026-01-19. Review status: criteria provided, single submitter. Criteria: Invitae Variant Classification Sherloc (09022015). Collection method: clinical testing. Allele origin: germline.
Comment: This sequence change replaces aspartic acid, which is acidic and polar, with asparagine, which is neutral and polar, at codon 319 of the POLE protein (p.Asp319Asn). This variant is present in population databases (rs116162724, gnomAD 0.002%). This variant has not been reported in the literature in individuals affected with POLE-related conditions. ClinVar contains an entry for this variant (Variation ID: 484551). Invitae Evidence Modeling of protein sequence and biophysical properties (such as structural, functional, and spatial information, amino acid conservation, physicochemical variation, residue mobility, and thermodynamic stability) indicates that this missense variant is not expected to disrupt POLE protein function with a negative predictive value of 80%. In summary, the available evidence is currently insufficient to determine the role of this variant in disease. Therefore, it has been classified as a Variant of Uncertain Significance.

Ambry Genetics
Classification: Likely benign for Hereditary cancer-predisposing syndrome. Last evaluated: 2024-01-05. Review status: criteria provided, single submitter. Criteria: Ambry Variant Classification Scheme 2023. Collection method: clinical testing. Allele origin: germline.

Fulgent Genetics
Classification: Uncertain significance for Colorectal cancer, susceptibility to, 12; Facial dysmorphism-immunodeficiency-livedo-short stature syndrome; Intrauterine growth retardation, metaphyseal dysplasia, adrenal hypoplasia congenita, genital anomalies, and immunodeficiency. Last evaluated: 2021-10-29. Review status: criteria provided, single submitter. Criteria: ACMG Guidelines, 2015. Collection method: clinical testing. Allele origin: unknown.

Quest Diagnostics Nichols Institute San Juan Capistrano
Classification: Uncertain significance. Last evaluated: 2021-05-21. Review status: criteria provided, single submitter. Criteria: Quest Diagnostics criteria. Collection method: clinical testing. Allele origin: unknown.

Department of Pathology and Laboratory Medicine, Sinai Health System
Classification: Uncertain significance for Polymerase proofreading-related adenomatous polyposis; Familial colorectal cancer type X. Last evaluated: 2020-01-02. Review status: criteria provided, single submitter. Criteria: ACMG Guidelines, 2015. Collection method: clinical testing. Allele origin: germline. Affected: yes.

Literature cited by the submitters: PubMed 29120461 (cited by Ambry Genetics).